The following is an entry in ClinVar:

NM_014363.6(SACS):c.1278A>T (p.Leu426Phe)

Gene: SACS (sacsin molecular chaperone; minus strand). Cytogenetic location: 13q12.12.
Variant type: single nucleotide variant.
Coding change: c.1278A>T on transcript NM_014363.6 (MANE Select); coding-DNA position 1278, A replaced by T.
Protein change: p.Leu426Phe; replaces leucine 426 with phenylalanine.
Molecular consequence: missense variant.
Genome position (GRCh38, 1-based): chr13:23,355,334, T>A on the plus strand (A>T on the coding strand, the complement: SACS is on the minus strand). VCF-style: chr13-23355334-T-A. GRCh37 (hg19) VCF-style: chr13-23929473-T-A.
Other names: p.Leu426Phe; c.837A>T, p.Leu279Phe (NM_001278055.2); short protein forms L426F, L279F.
Identifiers: ClinVar variation 311563 (VCV000311563.20), dbSNP rs138413501, ClinGen allele CA6911935.

ClinVar aggregate classification (germline): Conflicting classifications of pathogenicity. Review status: criteria provided, conflicting classifications (1 of 4 stars). 7 submissions from 7 submitters: Uncertain significance (5); Likely benign (1). 1 of the submissions does not count toward it. Last evaluated 2026-02-26.

Conditions:
SACS-related disorder. Also called: SACS-related condition.
Spastic paraplegia. Identifiers: MedGen C0037772, HP:0001258.
Charlevoix-Saguenay spastic ataxia (SACS). Also called: SPASTIC ATAXIA 6, AUTOSOMAL RECESSIVE; AUTOSOMAL RECESSIVE SPASTIC ATAXIA OF CHARLEVOIX-SAGUENAY; Spastic ataxia of Charlevoix-Saguenay. Identifiers: Orphanet 98, MedGen C1849140, MONDO:0010041, OMIM 270550.

Allele frequency attached by ClinVar (database versions not stated): gnomAD exomes 0.00008; ExAC 0.00013; gnomAD 0.00033 and 0.00036; TOPMed 0.00047; ESP Exome Variant Server 0.00062.
gnomAD v4.1: 99 of 1,614,018 alleles (0.0061%); highest among the groups gnomAD compares: African/African-American, 0.13%; no homozygotes.

Submissions (7):

PreventionGenetics, part of Exact Sciences
Classification: Uncertain significance for SACS-related condition. Last evaluated: 2026-02-26. Review status: criteria provided, single submitter. Criteria: ACMG Guidelines, 2015. Collection method: clinical testing. Allele origin: germline.
Comment: The SACS c.1278A>T variant is predicted to result in the amino acid substitution p.Leu426Phe. To our knowledge, this variant has not been reported in the literature. This variant is reported in 0.13% of alleles in individuals of African descent in gnomAD. Although we suspect that this variant may be benign, at this time, the clinical significance of this variant is uncertain due to the absence of conclusive functional and genetic evidence.

Labcorp Genetics (formerly Invitae), Labcorp
Classification: Likely benign for Spastic paraplegia. Last evaluated: 2025-12-18. Review status: criteria provided, single submitter. Criteria: Invitae Variant Classification Sherloc (09022015). Collection method: clinical testing. Allele origin: germline.

Mayo Clinic Laboratories, Mayo Clinic
Classification: Uncertain significance. Last evaluated: 2025-01-28. Review status: criteria provided, single submitter. Criteria: ACMG Guidelines, 2015. Collection method: clinical testing. Allele origin: germline. Observed: 2 variant alleles.
Comment: BS1

Genome-Nilou Lab
Classification: Uncertain significance for Charlevoix-Saguenay spastic ataxia. Last evaluated: 2021-09-05. Review status: criteria provided, single submitter. Criteria: ACMG Guidelines, 2015. Collection method: clinical testing. Allele origin: germline. Affected: no.

Baylor Genetics
Classification: Uncertain significance for Charlevoix-Saguenay spastic ataxia. Last evaluated: 2020-02-27. Review status: criteria provided, single submitter. Criteria: ACMG Guidelines, 2015. Collection method: clinical testing. Allele origin: unknown. Affected: yes.
Comment: This variant was determined to be of uncertain significance according to ACMG Guidelines, 2015 [PMID:25741868].

Illumina Laboratory Services, Illumina
Classification: Uncertain significance for Charlevoix-Saguenay spastic ataxia. Last evaluated: 2018-01-12. Review status: criteria provided, single submitter. Criteria: ICSL Variant Classification Criteria 13 December 2019. Collection method: clinical testing. Allele origin: germline.

Natera, Inc.
Classification: Uncertain significance for Charlevoix-Saguenay type spastic ataxia. Last evaluated: 2020-09-16. Review status: no assertion criteria provided. Collection method: clinical testing. Allele origin: germline. Not counted in ClinVar's aggregate classification.